The following is an entry in ClinVar:

NM_033343.4(LHX4):c.778+14G>T

Genes: LHX4-AS1 (LHX4 antisense RNA 1; minus strand), ACBD6 (acyl-CoA binding domain containing 6; minus strand), LHX4 (LIM homeobox 4; plus strand). Cytogenetic location: 1q25.2.
Variant type: single nucleotide variant.
Coding change: c.778+14G>T on transcript NM_033343.4 (MANE Select); 14 bases into the intron after coding-DNA position 778, G replaced by T.
Molecular consequence: intron variant.
Genome position (GRCh38, 1-based): chr1:180,272,020, G>T. VCF-style: chr1-180272020-G-T. GRCh37 (hg19) VCF-style: chr1-180241155-G-T.
Identifiers: ClinVar variation 262224 (VCV000262224.18), dbSNP rs3806302, ClinGen allele CA1272001.
Genomic context (GRCh38, chr1:180,272,020, plus strand): 5'-CTCTGCAGAGGACTGTGGGGTTAGTGACAGTGAGCTGAGCTTCCGAGGTGAGCAGGGCTG[G>T]AGGGGCCAGGCCGAGGCCTTAGGAAAGTCCCCTGGGAATCTGTAATCCCTGGCACTCAGG-3'

ClinVar aggregate classification (germline): Benign. Review status: criteria provided, multiple submitters, no conflicts (2 of 4 stars). 7 submissions from 7 submitters: Benign (7). Last evaluated 2026-05-08.

Conditions:
Short stature-pituitary and cerebellar defects-small sella turcica syndrome (CPHD4). Also called: Pituitary hormone deficiency, combined with or without cerebellar defects; Short stature, pituitary and cerebellar defects and small sella turcica. Identifiers: Orphanet 85442, MedGen C2678408, MONDO:0009880, OMIM 262700.

Allele frequency attached by ClinVar (database versions not stated): ESP Exome Variant Server 0.08442; 1000 Genomes Project 0.08966; gnomAD 0.09175 and 0.09243; 1000 Genomes Project 30x 0.09619; ExAC 0.10155; TOPMed 0.10298; gnomAD exomes 0.10352.
gnomAD v4.1: 138,616 of 1,608,636 alleles (8.6%); highest among the groups gnomAD compares: Admixed American, 27%; 7,685 homozygotes.

Submissions (7):

Women's Health and Genetics/Laboratory Corporation of America, LabCorp
Classification: Benign. Last evaluated: 2026-05-08. Review status: criteria provided, single submitter. Criteria: LabCorp Variant Classification Summary - May 2015. Collection method: clinical testing. Allele origin: germline.

Labcorp Genetics (formerly Invitae), Labcorp
Classification: Benign. Last evaluated: 2026-02-01. Review status: criteria provided, single submitter. Criteria: Invitae Variant Classification Sherloc (09022015). Collection method: clinical testing. Allele origin: germline.

Blueprint Genetics
Classification: Benign. Last evaluated: 2024-11-26. Review status: criteria provided, single submitter. Criteria: ACMG Guidelines, 2015. Collection method: clinical testing. Allele origin: germline.

GeneDx
Classification: Benign. Last evaluated: 2021-06-19. Review status: criteria provided, single submitter. Criteria: GeneDx Variant Classification Process June 2021. Collection method: clinical testing. Allele origin: germline. Affected: yes.

Illumina Laboratory Services, Illumina
Classification: Benign for Short stature-pituitary and cerebellar defects-small sella turcica syndrome. Last evaluated: 2018-01-13. Review status: criteria provided, single submitter. Criteria: ICSL Variant Classification Criteria 13 December 2019. Collection method: clinical testing. Allele origin: germline.
Comment: This variant was observed in the ICSL laboratory as part of a predisposition screen in an ostensibly healthy population. It had not been previously curated by ICSL or reported in the Human Gene Mutation Database (HGMD: prior to June 1st, 2018), and was therefore a candidate for classification through an automated scoring system. Utilizing variant allele frequency, disease prevalence and penetrance estimates, and inheritance mode, an automated score was calculated to assess if this variant is too frequent to cause the disease. Based on the score and internal cut-off values, a variant classified as benign is not then subjected to further curation. The score for this variant resulted in a classification of benign for this disease.

Breakthrough Genomics
Classification: Benign. Review status: criteria provided, single submitter. Criteria: ACMG Guidelines, 2015. Collection method: not provided. Allele origin: germline. Inheritance: Autosomal dominant inheritance. Affected: yes.

PreventionGenetics, part of Exact Sciences
Classification: Benign. Review status: criteria provided, single submitter. Criteria: ACMG Guidelines, 2015. Collection method: clinical testing. Allele origin: germline.